The following is an entry in ClinVar:

NM_024675.4(PALB2):c.729C>T (p.Thr243=)

Gene: PALB2 (partner and localizer of BRCA2; minus strand). Cytogenetic location: 16p12.2.
Variant type: single nucleotide variant.
Coding change: c.729C>T on transcript NM_024675.4 (MANE Select); coding-DNA position 729, C replaced by T.
Protein change: p.Thr243=; no amino-acid change (threonine 243 retained).
Molecular consequence: synonymous variant. On other transcripts: 5 prime UTR variant (8), intron variant (3).
Genome position (GRCh38, 1-based): chr16:23,635,817, G>A on the plus strand (C>T on the coding strand, the complement: PALB2 is on the minus strand). VCF-style: chr16-23635817-G-A. GRCh37 (hg19) VCF-style: chr16-23647138-G-A.
Other names: c.669C>T, p.Thr223= (NM_001407296.1); c.729C>T, p.Thr243= (NM_001407297.1, NM_001407298.1, NM_001407299.1 and 3 more transcripts); c.-157C>T (NM_001407304.1, NM_001407305.1, NM_001407306.1 and 5 more transcripts); c.48+5293C>T (NM_001407314.1); c.-105+5293C>T (NM_001407313.1, NM_001407312.1).
Identifiers: ClinVar variation 1758154 (VCV001758154.3), dbSNP rs2142436221, ClinGen allele CA494461679.

ClinVar aggregate classification (germline): Benign/Likely benign. Review status: criteria provided, multiple submitters, no conflicts (2 of 4 stars). 2 submissions from 2 submitters: Benign (1); Likely benign (1). Last evaluated 2025-01-10.

Conditions:
Hereditary cancer-predisposing syndrome. Also called: Neoplastic Syndromes, Hereditary; Tumor predisposition; Hereditary Cancer Syndrome; Hereditary neoplastic syndrome. Identifiers: Orphanet 140162, MedGen C0027672, MeSH D009386, MONDO:0015356.
Familial cancer of breast. Also called: Hereditary breast cancer; BREAST CANCER, FAMILIAL; hereditary breast carcinoma. Identifiers: Orphanet 227535, MedGen C0346153, MONDO:0016419, OMIM 114480. Disease mechanism: loss of function.

Submissions (2):

Myriad Genetics, Inc.
Classification: Benign for Familial cancer of breast. Last evaluated: 2025-01-10. Review status: criteria provided, single submitter. Criteria: Myriad Autosomal Dominant, Autosomal Recessive and X-Linked Classification Criteria (2023). Collection method: clinical testing. Allele origin: unknown.
Comment: This variant is considered benign. This variant is a silent/synonymous amino acid change and it is not expected to impact splicing.

Ambry Genetics
Classification: Likely benign for Hereditary cancer-predisposing syndrome. Last evaluated: 2021-11-03. Review status: criteria provided, single submitter. Criteria: Ambry Variant Classification Scheme 2023. Collection method: clinical testing. Allele origin: germline.